The following is an entry in ClinVar:

NM_000404.4(GLB1):c.710A>G (p.Tyr237Cys)

Gene: GLB1 (galactosidase beta 1; minus strand). Cytogenetic location: 3p22.3.
Variant type: single nucleotide variant.
Coding change: c.710A>G on transcript NM_000404.4 (MANE Select); coding-DNA position 710, A replaced by G.
Protein change: p.Tyr237Cys; replaces tyrosine 237 with cysteine.
Molecular consequence: missense variant. On other transcripts: intron variant (1).
Genome position (GRCh38, 1-based): chr3:33,058,112, T>C on the plus strand (A>G on the coding strand, the complement: GLB1 is on the minus strand). VCF-style: chr3-33058112-T-C. GRCh37 (hg19) VCF-style: chr3-33099604-T-C.
Other names: c.620A>G, p.Tyr207Cys (NM_001079811.3); c.854A>G, p.Tyr285Cys (NM_001317040.2); c.710A>G, p.Tyr237Cys (NM_001393580.1); c.341-4563A>G (NM_001135602.3); short protein forms Y237C, Y207C, Y285C.
Identifiers: ClinVar variation 2927179 (VCV002927179.4), dbSNP rs2471397544, ClinGen allele CA352003955.
Genomic context (GRCh38, chr3:33,058,112, plus strand): 5'-ATTTTAAGCTGCAATTTCTGTTACTACAAACACCAACCTGTTCCAAAGTCCACCGTGGTG[T>C]AGAGGCCCTGCAGGGCCCCACATTTCAGGAATGTTTTATGTGCTCCATCAGTGGTAAACA-3'
Protein context (NP_000395.3, residues 227-247): FLKCGALQGL[Tyr237Cys]TTVDFGTGSN

ClinVar aggregate classification (germline): Pathogenic/Likely pathogenic. Review status: criteria provided, multiple submitters, no conflicts (2 of 4 stars). 2 submissions from 2 submitters: Pathogenic (1); Likely pathogenic (1). Last evaluated 2025-11-24.

Conditions:
Mucopolysaccharidosis, MPS-IV-B (MPS4B). Also called: Mucopolysaccharidosis type 4B; Mucopolysaccharidosis type IVB (Morquio); MPS IVB; MORQUIO SYNDROME B; Mucopolysaccharidosis type IV B; Mucopolysaccharidosis Type IVB. Identifiers: Orphanet 309310, Orphanet 582, MedGen C0086652, MONDO:0009660, OMIM 253010.
GM1 gangliosidosis. Identifiers: Orphanet 354, MedGen C0085131, MONDO:0018149.
GM1 gangliosidosis type 2. Also called: GM1-GANGLIOSIDOSIS, TYPE II; GANGLIOSIDOSIS, GENERALIZED GM1, JUVENILE TYPE; GANGLIOSIDOSIS, GENERALIZED GM1, TYPE II; Gangliosidosis, Generalized GM1, Type 2; Juvenile GM>1< gangliosidosis. Identifiers: Orphanet 354, Orphanet 79256, MedGen C0268272, MONDO:0009261, OMIM 230600.
Infantile GM1 gangliosidosis. Also called: Gangliosidosis, Generalized GM1, Type 1; GM1-gangliosidosis, type I; Gangliosidosis, generalized GM1, infantile form; GLB1 deficiency; GM1 gangliosidosis type 1. Identifiers: Orphanet 354, Orphanet 79255, MedGen C0268271, MONDO:0009260, OMIM 230500.
GM1 gangliosidosis type 3. Also called: GM1-GANGLIOSIDOSIS, TYPE III; GANGLIOSIDOSIS, GENERALIZED GM1, ADULT TYPE; GANGLIOSIDOSIS, GENERALIZED GM1, CHRONIC TYPE; GANGLIOSIDOSIS, GENERALIZED GM1, TYPE III; Gangliosidosis, Generalized GM1, Type 3; Beta-galactosidase deficiency. Identifiers: Orphanet 79257, MedGen C0268273, MONDO:0009262, OMIM 230650.

Submissions (2):

Labcorp Genetics (formerly Invitae), Labcorp
Classification: Pathogenic for Mucopolysaccharidosis, MPS-IV-B; GM1 gangliosidosis. Last evaluated: 2025-11-24. Review status: criteria provided, single submitter. Criteria: Invitae Variant Classification Sherloc (09022015). Collection method: clinical testing. Allele origin: germline.
Comment: This sequence change replaces tyrosine, which is neutral and polar, with cysteine, which is neutral and slightly polar, at codon 237 of the GLB1 protein (p.Tyr237Cys). This variant is not present in population databases (gnomAD no frequency). This missense change has been observed in individual(s) with late infantile GM1 gangliosidosis (PMID: 30267299; internal data). In at least one individual the data is consistent with being in trans (on the opposite chromosome) from a pathogenic variant. ClinVar contains an entry for this variant (Variation ID: 2927179). Invitae Evidence Modeling of protein sequence and biophysical properties (such as structural, functional, and spatial information, amino acid conservation, physicochemical variation, residue mobility, and thermodynamic stability) indicates that this missense variant is expected to disrupt GLB1 protein function with a positive predictive value of 95%. For these reasons, this variant has been classified as Pathogenic.

Fulgent Genetics
Classification: Likely pathogenic for Infantile GM1 gangliosidosis; GM1 gangliosidosis type 2; GM1 gangliosidosis type 3; Mucopolysaccharidosis, MPS-IV-B. Last evaluated: 2024-04-30. Review status: criteria provided, single submitter. Criteria: ACMG Guidelines, 2015. Collection method: clinical testing. Allele origin: germline.

Literature cited by the submitters: PubMed 30267299 (cited by Labcorp Genetics (formerly Invitae), Labcorp).